The following is an entry in ClinVar:

NM_002693.3(POLG):c.1264G>T (p.Val422Leu)

Gene: POLG (DNA polymerase gamma, catalytic subunit; minus strand). Cytogenetic location: 15q26.1.
Variant type: single nucleotide variant.
Coding change: c.1264G>T on transcript NM_002693.3 (MANE Select); coding-DNA position 1264, G replaced by T.
Protein change: p.Val422Leu; replaces valine 422 with leucine.
Molecular consequence: missense variant.
Genome position (GRCh38, 1-based): chr15:89,327,336, C>A on the plus strand (G>T on the coding strand, the complement: POLG is on the minus strand). VCF-style: chr15-89327336-C-A. GRCh37 (hg19) VCF-style: chr15-89870567-C-A.
Other names: c.1264G>T, p.Val422Leu (NM_001126131.2); short protein forms V422L.
Identifiers: ClinVar variation 1719532 (VCV001719532.6), dbSNP rs2509256448, ClinGen allele CA393762853.
Genomic context (GRCh38, chr15:89,327,336, plus strand): 5'-CCCAGTTCTGGTTGACAGGCAGGTAGGAGACACCCATCTCCAGCATGCCGGCCAGAGTCA[C>A]TGGGTGGGGACACCTTGGAGGCAAACACCAGGAGCTGCCATAAATGACCACAGGAGGCAA-3'
Protein context (NP_002684.1, residues 412-432): PLFLERCPHP[Val422Leu]TLAGMLEMGV

ClinVar aggregate classification (germline): Uncertain significance (1 of 4 stars; one submission).

Conditions:
Progressive sclerosing poliodystrophy (MTDPS4A). Also called: NEURONAL DEGENERATION OF CHILDHOOD WITH LIVER DISEASE, PROGRESSIVE; Alpers Syndrome; ALPERS DIFFUSE DEGENERATION OF CEREBRAL GRAY MATTER WITH HEPATIC CIRRHOSIS; Alpers-Huttenlocher Syndrome; Mitochondrial DNA Depletion Syndrome 4A; Alpers-Huttenlocher Syndrome (AHS). Identifiers: Orphanet 726, MedGen C0205710, MONDO:0008758, OMIM 203700.

Submission:

Labcorp Genetics (formerly Invitae), Labcorp
Classification: Uncertain significance for Progressive sclerosing poliodystrophy. Last evaluated: 2022-09-15. Review status: criteria provided, single submitter. Criteria: Invitae Variant Classification Sherloc (09022015). Collection method: clinical testing. Allele origin: germline.
Comment: In summary, the available evidence is currently insufficient to determine the role of this variant in disease. Therefore, it has been classified as a Variant of Uncertain Significance. Advanced modeling of protein sequence and biophysical properties (such as structural, functional, and spatial information, amino acid conservation, physicochemical variation, residue mobility, and thermodynamic stability) performed at Invitae indicates that this missense variant is expected to disrupt POLG protein function. This variant has not been reported in the literature in individuals affected with POLG-related conditions. This variant is not present in population databases (gnomAD no frequency). This sequence change replaces valine, which is neutral and non-polar, with leucine, which is neutral and non-polar, at codon 422 of the POLG protein (p.Val422Leu).